The following is an entry in ClinVar:

NM_007294.4(BRCA1):c.826A>T (p.Thr276Ser)

Gene: BRCA1 (BRCA1 DNA repair associated; minus strand). Cytogenetic location: 17q21.31.
Variant type: single nucleotide variant.
Coding change: c.826A>T on transcript NM_007294.4 (MANE Select); coding-DNA position 826, A replaced by T.
Protein change: p.Thr276Ser; replaces threonine 276 with serine.
Molecular consequence: missense variant. On other transcripts: 5 prime UTR variant (2), intron variant (137).
Genome position (GRCh38, 1-based): chr17:43,094,705, T>A on the plus strand (A>T on the coding strand, the complement: BRCA1 is on the minus strand). VCF-style: chr17-43094705-T-A. GRCh37 (hg19) VCF-style: chr17-41246722-T-A.
Other names: c.826A>T, p.Thr276Ser (NM_001407594.1, NM_001407597.1, NM_001407598.1 and 30 more transcripts); c.823A>T, p.Thr275Ser (NM_001407611.1, NM_001407610.1, NM_001407612.1 and 22 more transcripts); c.613A>T, p.Thr205Ser (NM_001407571.1, NM_001407853.1, NM_001407894.1 and 9 more transcripts); c.817A>T, p.Thr273Ser (NM_001407646.1, NM_001407647.1); c.703A>T, p.Thr235Ser (NM_001407648.1, NM_001407664.1, NM_001407665.1 and 19 more transcripts); c.700A>T, p.Thr234Ser (NM_001407649.1, NM_001407670.1, NM_001407671.1 and 11 more transcripts); c.748A>T, p.Thr250Ser (NM_001407653.1, NM_001407654.1, NM_001407655.1 and 4 more transcripts); c.745A>T, p.Thr249Ser (NM_001407659.1, NM_001407660.1, NM_001407661.1 and 1 more transcripts); and 40 more; short protein forms T148S, T164S, T206S, T209S, T229S, T234S, T275S, T108S.
Identifiers: ClinVar variation 3634702 (VCV003634702.2).

ClinVar aggregate classification (germline): Uncertain significance (1 of 4 stars; one submission).

Conditions:
Hereditary breast ovarian cancer syndrome. Also called: Hereditary breast and ovarian cancer syndrome; Hereditary breast and ovarian cancer syndrome (HBOC); BRCA1- and BRCA2-Associated Hereditary Breast and Ovarian Cancer; Hereditary breast and ovarian cancer; Breast and ovarian cancer; Hereditary breast and/or ovarian cancer syndrome. Identifiers: Orphanet 145, MedGen C0677776, MeSH D061325, MONDO:0003582. Disease mechanism: loss of function.

Submission:

Labcorp Genetics (formerly Invitae), Labcorp
Classification: Uncertain significance for Hereditary breast ovarian cancer syndrome. Last evaluated: 2024-11-12. Review status: criteria provided, single submitter. Criteria: Invitae Variant Classification Sherloc (09022015). Collection method: clinical testing. Allele origin: germline.
Comment: This sequence change replaces threonine, which is neutral and polar, with serine, which is neutral and polar, at codon 276 of the BRCA1 protein (p.Thr276Ser). This variant is not present in population databases (gnomAD no frequency). This variant has not been reported in the literature in individuals affected with BRCA1-related conditions. Invitae Evidence Modeling of protein sequence and biophysical properties (such as structural, functional, and spatial information, amino acid conservation, physicochemical variation, residue mobility, and thermodynamic stability) indicates that this missense variant is not expected to disrupt BRCA1 protein function with a negative predictive value of 80%. In summary, the available evidence is currently insufficient to determine the role of this variant in disease. Therefore, it has been classified as a Variant of Uncertain Significance.